The following is an entry in ClinVar:

NM_001854.4(COL11A1):c.549GAA[1] (p.Lys185del)

Gene: COL11A1 (collagen type XI alpha 1 chain; minus strand). Cytogenetic location: 1p21.1.
Variant type: Microsatellite.
Coding change: c.549GAA[1] on transcript NM_001854.4 (MANE Select); one copy of the 3-base unit GAA starting at c.549; the reference has two copies in a row; one copy, 3 bases deleted; also written c.552_554del.
Protein change: p.Lys185del; deletes lysine 185.
Molecular consequence: inframe deletion. On other transcripts: non-coding transcript variant (1).
Genome position (GRCh38, 1-based): chr1:103,074,715-103,074,717, TTC deleted on the plus strand (GAA on the coding strand, the reverse complement: COL11A1 is on the minus strand); deleting any 3 consecutive bases within chr1:103,074,715-103,074,722 gives the same sequence; the position shown is the placement nearest the transcript's 3' end. VCF-style (leftmost placement, unchanged base first): chr1-103074714-TTTC-T. GRCh37 (hg19) VCF-style: chr1-103540270-TTTC-T.
Other names: c.549GAA[1], p.Lys185del (NM_001190709.2, NM_080629.3, NM_080630.4); c.552_554del (NM_001854.4); short protein forms K185del.
Identifiers: ClinVar variation 1356260 (VCV001356260.7), dbSNP rs774335092, ClinGen allele CA975413.

ClinVar aggregate classification (germline): Uncertain significance. Review status: criteria provided, multiple submitters, no conflicts (2 of 4 stars). 2 submissions from 2 submitters: Uncertain significance (2). Last evaluated 2026-01-26.

Conditions:
Marshall syndrome (MRSHS). Identifiers: Orphanet 560, MedGen C0265235, MONDO:0007949, OMIM 154780.
Hearing loss, autosomal dominant 37. Also called: DEAFNESS, AUTOSOMAL DOMINANT 37. Identifiers: MedGen C4760307, MONDO:0032802, OMIM 618533.
Fibrochondrogenesis 1 (FBCG1). Identifiers: Orphanet 2021, MedGen C3278138, MONDO:0009226, OMIM 228520.
Intervertebral disc disorder (IDD). Also called: INTERVERTEBRAL DISC DISEASE; Lumbar disk degenerative disorder. Identifiers: MedGen C0158252, MONDO:0044339, OMIM 603932.
Stickler syndrome type 2 (STL2). Also called: COL11A1-Related Stickler Syndrome; STICKLER SYNDROME, BEADED VITREOUS TYPE; STICKLER SYNDROME, VITREOUS TYPE 2; STICKLER SYNDROME, TYPE II. Identifiers: Orphanet 828, Orphanet 90654, MedGen C1858084, MONDO:0011493, OMIM 604841.

Submissions (2):

Labcorp Genetics (formerly Invitae), Labcorp
Classification: Uncertain significance. Last evaluated: 2026-01-26. Review status: criteria provided, single submitter. Criteria: Invitae Variant Classification Sherloc (09022015). Collection method: clinical testing. Allele origin: germline.
Comment: This variant, c.552_554del, results in the deletion of 1 amino acid(s) of the COL11A1 protein (p.Lys185del), but otherwise preserves the integrity of the reading frame. This variant is present in population databases (rs774335092, gnomAD 0.02%). This variant has not been reported in the literature in individuals affected with COL11A1-related conditions. Experimental studies and prediction algorithms are not available or were not evaluated, and the functional significance of this variant is currently unknown. In summary, the available evidence is currently insufficient to determine the role of this variant in disease. Therefore, it has been classified as a Variant of Uncertain Significance.

Fulgent Genetics
Classification: Uncertain significance for Marshall syndrome; Fibrochondrogenesis 1; Intervertebral disc disorder; Stickler syndrome type 2; Hearing loss, autosomal dominant 37. Last evaluated: 2021-08-25. Review status: criteria provided, single submitter. Criteria: ACMG Guidelines, 2015. Collection method: clinical testing. Allele origin: unknown.